The following is an entry in ClinVar:

NM_001211.6(BUB1B):c.677C>T (p.Thr226Ile)

Gene: BUB1B (BUB1 mitotic checkpoint serine/threonine kinase B; plus strand). Cytogenetic location: 15q15.1.
Variant type: single nucleotide variant.
Coding change: c.677C>T on transcript NM_001211.6 (MANE Select); coding-DNA position 677, C replaced by T.
Protein change: p.Thr226Ile; replaces threonine 226 with isoleucine.
Molecular consequence: missense variant.
Genome position (GRCh38, 1-based): chr15:40,183,809, C>T. VCF-style: chr15-40183809-C-T. GRCh37 (hg19) VCF-style: chr15-40476010-C-T.
Other names: short protein forms T226I.
Identifiers: ClinVar variation 1755382 (VCV001755382.2), dbSNP rs2542533502, ClinGen allele CA391683376.

ClinVar aggregate classification (germline): Uncertain significance (1 of 4 stars; one submission).

Conditions:
Inborn genetic diseases. Identifiers: MedGen C0950123, MeSH D030342.

Allele frequency attached by ClinVar (database versions not stated): gnomAD exomes below 0.00001.
gnomAD v4.1: 1 of 1,614,076 alleles (0.000062%); highest among the groups gnomAD compares: Non-Finnish European, 0.000085%; no homozygotes.

Submission:

Ambry Genetics
Classification: Uncertain significance for Inborn genetic diseases. Last evaluated: 2024-01-29. Review status: criteria provided, single submitter. Criteria: Ambry Variant Classification Scheme 2023. Collection method: clinical testing. Allele origin: germline.
Comment: The p.T226I variant (also known as c.677C>T), located in coding exon 6 of the BUB1B gene, results from a C to T substitution at nucleotide position 677. The threonine at codon 226 is replaced by isoleucine, an amino acid with similar properties. This amino acid position is conserved. In addition, this alteration is predicted to be tolerated by in silico analysis. Since supporting evidence is limited at this time, the clinical significance of this alteration remains unclear.